The following is an entry in ClinVar:

ClinVar aggregate classification (germline): Pathogenic (1 of 4 stars; one submission).

Conditions:
Neurofibromatosis, type 1 (NF1). Also called: Peripheral type neurofibromatosis; VON RECKLINGHAUSEN DISEASE; NEUROFIBROMATOSIS, TYPE I, SOMATIC; Neurofibromatosis, type I. Identifiers: Orphanet 636, MedGen C0027831, MONDO:0018975, OMIM 162200. Disease mechanism: loss of function.

Submission:

Labcorp Genetics (formerly Invitae), Labcorp
Classification: Pathogenic for Neurofibromatosis, type 1. Last evaluated: 2024-01-11. Review status: criteria provided, single submitter. Criteria: Invitae Variant Classification Sherloc (09022015). Collection method: clinical testing. Allele origin: germline.
Comment: This sequence change creates a premature translational stop signal (p.Asn2364Leufs*12) in the NF1 gene. It is expected to result in an absent or disrupted protein product. Loss-of-function variants in NF1 are known to be pathogenic (PMID: 10712197, 23913538). This variant is not present in population databases (gnomAD no frequency). This variant has not been reported in the literature in individuals affected with NF1-related conditions. For these reasons, this variant has been classified as Pathogenic.

Literature cited by the submitters: PubMed 10712197; PubMed 23913538.

NM_001042492.3(NF1):c.7151_7152dup (p.Asn2385fs)

Gene: NF1 (neurofibromin 1; plus strand). Cytogenetic location: 17q11.2.
Variant type: Microsatellite.
Coding change: c.7151_7152dup on transcript NM_001042492.3 (MANE Select); coding-DNA positions 7151 to 7152, 2 bases duplicated (CT; older notation c.7151_7152dupCT).
Protein change: p.Asn2385fs; shifts the reading frame from asparagine 2385.
Molecular consequence: frameshift variant.
Genome position (GRCh38, 1-based): chr17:31,343,097-31,343,098, CT duplicated; duplicating any 2 consecutive bases within chr17:31,343,095-31,343,098 gives the same sequence; the c. name uses the placement nearest the transcript's 3' end. VCF-style (leftmost placement, unchanged base first): chr17-31343094-A-ACT. GRCh37 (hg19) VCF-style: chr17-29670112-A-ACT.
Other names: c.7086_7087CT[3], p.Asn2364Leufs (NM_000267.4); short protein forms N2385fs, N2364fs.
Identifiers: ClinVar variation 2708908 (VCV002708908.3), dbSNP rs2508780045, ClinGen allele CA2697559657.